The following continues an entry in ClinVar:

NM_000257.4(MYH7):c.3158G>A (p.Arg1053Gln)

Gene: MYH7. ClinVar aggregate classification (germline): Pathogenic. Pathogenic (1).

Submissions 10 to 17 of 17:

GeneDx
Classification: Pathogenic. Last evaluated: 2023-06-09. Review status: criteria provided, single submitter. Criteria: GeneDx Variant Classification Process June 2021. Collection method: clinical testing. Allele origin: germline. Affected: yes. Not counted in ClinVar's aggregate classification.
Comment: Reported in Finnish patients with HCM and described as the third most common mutation encountered in Finnish patients with HCM (Jskelinen et al., 2014); In silico analysis supports that this missense variant has a deleterious effect on protein structure/function; This variant is associated with the following publications: (PMID: 15556047, 30775854, 27247418, 27532257, 29300372, 21310275, 33673806, 31737537, 24888384, 20624503, 35626289, 35753512)

Color Diagnostics, LLC DBA Color Health
Classification: Pathogenic for Cardiomyopathy. Last evaluated: 2023-04-17. Review status: criteria provided, single submitter. Criteria: ACMG Guidelines, 2015. Collection method: clinical testing. Allele origin: germline. Not counted in ClinVar's aggregate classification.
Comment: This missense variant replaces arginine with glutamine at codon 1053 in the neck and hinge (S2) domain of the MYH7 protein. Computational prediction suggests that this variant may have a deleterious impact on protein structure and function (internally defined REVEL score threshold >= 0.7, PMID: 27666373). To our knowledge, functional studies have not been reported for this variant. This variant has been reported in more than 30 individuals affected with hypertrophic cardiomyopathy (PMID: 15556047, 20624503, 24888384, 27532257, 29300372, 30775854, 31737537, 33673806, 34615813). It has been described as a founder variant in the Finnish population (PMID: 24888384). It has been shown that this variant segregates with disease in 6 affected individuals in one family (PMID: 15556047). This variant has been identified in 17/282864 chromosomes in the general population by the Genome Aggregation Database (gnomAD). Based on the available evidence, this variant is classified as Pathogenic.

Clinical Genetics Laboratory, Skane University Hospital Lund
Classification: Pathogenic. Last evaluated: 2022-07-13. Review status: criteria provided, single submitter. Criteria: ACMG Guidelines, 2015. Collection method: clinical testing. Allele origin: germline. Affected: yes. Not counted in ClinVar's aggregate classification.

CHEO Genetics Diagnostic Laboratory, Children's Hospital of Eastern Ontario
Classification: Pathogenic for Cardiomyopathy. Last evaluated: 2022-06-28. Review status: criteria provided, single submitter. Criteria: ACMG Guidelines, 2015. Collection method: clinical testing. Allele origin: germline. Not counted in ClinVar's aggregate classification.

Revvity Omics, Revvity
Classification: Likely pathogenic. Last evaluated: 2021-11-29. Review status: criteria provided, single submitter. Criteria: ACMG Guidelines, 2015. Collection method: clinical testing. Allele origin: germline. Not counted in ClinVar's aggregate classification.

National Institute of Allergy and Infectious Diseases - Centralized Sequencing Program, National Institutes of Health
Classification: Likely pathogenic for Hypertrophic Cardiomyopathy. Last evaluated: 2021-08-06. Review status: criteria provided, single submitter. Criteria: ACMG Guidelines, 2015. Collection method: clinical testing. Allele origin: germline. Affected: no. Not counted in ClinVar's aggregate classification.

Laboratory for Molecular Medicine, Mass General Brigham Personalized Medicine
Classification: Pathogenic for Hypertrophic cardiomyopathy. Last evaluated: 2014-05-08. Review status: criteria provided, single submitter. Criteria: LMM Criteria. Collection method: clinical testing. Allele origin: germline. Inheritance: Autosomal dominant inheritance. Observed: 1 variant allele. Not counted in ClinVar's aggregate classification.
Comment: The Arg1053Gln variant in MYH7 has been reported in 1 individual with a dilated left ventrical and impaired systolic function, and was present in 5 additional a ffected family members with clinical features of septal HCM (Karkkainen 2004). The variant was absent from large population studies. Arganine (Arg) at position 1053 is highly conserved in evolution and the change to glutamine (Gln) was predicted to be pathogenic using a computational tool cli nically validated by our laboratory. This tool's pathogenic prediction is estima ted to be correct 94% of the time (Jordan 2011). In summary, this variant meets our criteria to be classified as pathogenic bas ed upon segregation studies and absence from controls.

Juno Genomics, Hangzhou Juno Genomics, Inc
Classification: Pathogenic for Myosin storage myopathy; Myopathy, myosin storage, autosomal recessive; Dilated cardiomyopathy 1S; Hypertrophic cardiomyopathy 1; MYH7-related skeletal myopathy. Review status: criteria provided, single submitter. Criteria: ACMG Guidelines, 2015. Collection method: clinical testing. Allele origin: germline. Not counted in ClinVar's aggregate classification.
Comment: Absent from controls (or at extremely low frequency if recessive) in Genome Aggregation Database.;Multiple lines of computational evidence support a deleterious effect on the gene or gene product.;The prevalence of the variant in affected individuals is significantly increased compared to the prevalence in controls.;Co-segregation with disease in multiple affected family members.

Literature cited by the submitters: PubMed 15556047 (cited by 7 submitters); PubMed 27532257 (cited by 6 submitters); PubMed 24888384 (cited by 6 submitters); PubMed 29300372 (cited by 4 submitters); PubMed 20624503 (cited by 4 submitters); PubMed 27247418 (cited by Labcorp Genetics (formerly Invitae), Labcorp); PubMed 27460395 (cited by Labcorp Genetics (formerly Invitae), Labcorp); PubMed 33673806 (cited by 4 submitters); PubMed 20800588 (cited by Ambry Genetics); PubMed 30775854 (cited by 3 submitters); PubMed 31737537 (cited by 3 submitters); PubMed 32960281 (cited by Ambry Genetics); PubMed 34615813 (cited by 3 submitters).